The following is an entry in ClinVar:

NM_144997.7(FLCN):c.1109del (p.Met370fs)

Gene: FLCN (folliculin; minus strand). Cytogenetic location: 17p11.2.
Variant type: Deletion.
Coding change: c.1109del on transcript NM_144997.7 (MANE Select); coding-DNA position 1109, one base deleted (T; older notation c.1109delT).
Protein change: p.Met370fs; shifts the reading frame from methionine 370.
Molecular consequence: frameshift variant.
Genome position (GRCh38, 1-based): chr17:17,217,136, A deleted on the plus strand (T on the coding strand, the reverse complement: FLCN is on the minus strand). VCF-style (leftmost placement, unchanged base first): chr17-17217135-CA-C. GRCh37 (hg19) VCF-style: chr17-17120449-CA-C.
Other names: c.1163del, p.Met388fs (NM_001353229.2); c.1109del, p.Met370fs (NM_001353230.2, NM_001353231.2); short protein forms M370fs, M388fs.
Identifiers: ClinVar variation 3850575 (VCV003850575.1).

ClinVar aggregate classification (germline): Pathogenic (1 of 4 stars; one submission).

Conditions:
Hereditary cancer-predisposing syndrome. Also called: Hereditary neoplastic syndrome; Neoplastic Syndromes, Hereditary; Tumor predisposition; Hereditary Cancer Syndrome. Identifiers: Orphanet 140162, MedGen C0027672, MeSH D009386, MONDO:0015356.

Submission:

Ambry Genetics
Classification: Pathogenic for Hereditary cancer-predisposing syndrome. Last evaluated: 2025-02-13. Review status: criteria provided, single submitter. Criteria: Ambry Variant Classification Scheme 2023. Collection method: clinical testing. Allele origin: germline.
Comment: The c.1109delT pathogenic mutation, located in coding exon 7 of the FLCN gene, results from a deletion of one nucleotide at nucleotide position 1109, causing a translational frameshift with a predicted alternate stop codon (p.M370Rfs*5). This variant is considered to be rare based on population cohorts in the Genome Aggregation Database (gnomAD). This alteration is expected to result in loss of function by premature protein truncation or nonsense-mediated mRNA decay. As such, this alteration is interpreted as a disease-causing mutation.